The following is an entry in ClinVar:

ClinVar aggregate classification (germline): Uncertain significance (1 of 4 stars; one submission).

Conditions:
Arrhythmogenic right ventricular dysplasia 12. Also called: ARRHYTHMOGENIC RIGHT VENTRICULAR DYSPLASIA, FAMILIAL, 12. Identifiers: MedGen C1969081, MONDO:0012684, OMIM 611528.
Naxos disease (NXD). Also called: WOOLLY HAIR, PALMOPLANTAR KERATODERMA, AND CARDIAC ABNORMALITIES; KERATOSIS PALMOPLANTARIS WITH ARRHYTHMOGENIC CARDIOMYOPATHY; MAL DE NAXOS; PALMOPLANTAR KERATODERMA WITH ARRHYTHMOGENIC RIGHT VENTRICULAR CARDIOMYOPATHY AND WOOLLY HAIR; CARDIOMYOPATHY, ARRHYTHMOGENIC RIGHT VENTRICULAR, WITH SKIN, HAIR, AND NAIL ABNORMALITIES. Identifiers: Orphanet 34217, MedGen C1832600, MONDO:0011017, OMIM 601214.

Submission:

Labcorp Genetics (formerly Invitae), Labcorp
Classification: Uncertain significance for Arrhythmogenic right ventricular dysplasia 12; Naxos disease. Last evaluated: 2025-09-04. Review status: criteria provided, single submitter. Criteria: Invitae Variant Classification Sherloc (09022015). Collection method: clinical testing. Allele origin: germline.
Comment: This sequence change replaces serine, which is neutral and polar, with glycine, which is neutral and non-polar, at codon 207 of the JUP protein (p.Ser207Gly). This variant is not present in population databases (gnomAD no frequency). This variant has not been reported in the literature in individuals affected with JUP-related conditions. An algorithm developed to predict the effect of missense changes on protein structure and function (PolyPhen-2) suggests that this variant is likely to be tolerated. In summary, the available evidence is currently insufficient to determine the role of this variant in disease. Therefore, it has been classified as a Variant of Uncertain Significance.

NM_002230.4(JUP):c.619A>G (p.Ser207Gly)

Gene: JUP (junction plakoglobin; minus strand). Cytogenetic location: 17q21.2.
Variant type: single nucleotide variant.
Coding change: c.619A>G on transcript NM_002230.4 (MANE Select); coding-DNA position 619, A replaced by G.
Protein change: p.Ser207Gly; replaces serine 207 with glycine.
Molecular consequence: missense variant.
Genome position (GRCh38, 1-based): chr17:41,769,057, T>C on the plus strand (A>G on the coding strand, the complement: JUP is on the minus strand). VCF-style: chr17-41769057-T-C. GRCh37 (hg19) VCF-style: chr17-39925309-T-C.
Other names: c.619A>G, p.Ser207Gly (NM_001352773.2, NM_001352774.2, NM_001352775.2 and 3 more transcripts); short protein forms S207G.
Identifiers: ClinVar variation 4786058 (VCV004786058.1).